The following is an entry in ClinVar:

NM_000532.5(PCCB):c.750C>T (p.His250=)

Gene: PCCB (propionyl-CoA carboxylase subunit beta; plus strand). Cytogenetic location: 3q22.3.
Variant type: single nucleotide variant.
Coding change: c.750C>T on transcript NM_000532.5 (MANE Select); coding-DNA position 750, C replaced by T.
Protein change: p.His250=; no amino-acid change (histidine 250 retained).
Molecular consequence: synonymous variant.
Genome position (GRCh38, 1-based): chr3:136,293,851, C>T. VCF-style: chr3-136293851-C-T. GRCh37 (hg19) VCF-style: chr3-136012693-C-T.
Other names: c.810C>T, p.His270= (NM_001178014.2); c.750C>T (NM_000532.4).
Identifiers: ClinVar variation 1586600 (VCV001586600.9), dbSNP rs1255224715, ClinGen allele CA435839748.
Genomic context (GRCh38, chr3:136,293,851, plus strand): 5'-TGTGAAGTCTGTCACCAATGAGGATGTTACCCAGGAGGAGCTCGGTGGTGCCAAGACCCA[C>T]ACCACCATGTCAGGTGAGAGGCCTTGAAGATGACCTTGTTGTTTTCAAACATTGAGAAGA-3'
Protein context (NP_000523.2, residues 240-260): TQEELGGAKT[His250=]TTMSGVAHRA

ClinVar aggregate classification (germline): Likely benign. Review status: criteria provided, multiple submitters, no conflicts (2 of 4 stars). 2 submissions from 2 submitters: Likely benign (2). Last evaluated 2026-01-19.

Conditions:
PCCB-related disorder. Also called: PCCB-related condition.
Propionic acidemia (PROP). Also called: GLYCINEMIA, KETOTIC; HYPERGLYCINEMIA WITH KETOACIDOSIS AND LEUKOPENIA; KETOTIC HYPERGLYCINEMIA. Identifiers: Orphanet 35, MedGen C0268579, MONDO:0011628, OMIM 606054, HP:0003571.

Allele frequency attached by ClinVar (database versions not stated): TOPMed 0.00001.

Submissions (2):

Labcorp Genetics (formerly Invitae), Labcorp
Classification: Likely benign for Propionic acidemia. Last evaluated: 2026-01-19. Review status: criteria provided, single submitter. Criteria: Invitae Variant Classification Sherloc (09022015). Collection method: clinical testing. Allele origin: germline.

PreventionGenetics, part of Exact Sciences
Classification: Likely benign for PCCB-related condition. Last evaluated: 2025-05-16. Review status: criteria provided, single submitter. Criteria: ACMG Guidelines, 2015. Collection method: clinical testing. Allele origin: germline.
Comment: This variant is classified as likely benign based on ACMG/AMP sequence variant interpretation guidelines (Richards et al. 2015 PMID: 25741868, with internal and published modifications).